The following is an entry in ClinVar:

ClinVar aggregate classification (germline): Uncertain significance (1 of 4 stars; one submission).

Allele frequency attached by ClinVar (database versions not stated): gnomAD 0.00003; gnomAD exomes 0.00003; TOPMed 0.00004; ExAC 0.00005; ESP Exome Variant Server 0.00015.
gnomAD v4.1: 55 of 1,613,822 alleles (0.0034%); highest among the groups gnomAD compares: Admixed American, 0.012%; no homozygotes.

Submission:

Labcorp Genetics (formerly Invitae), Labcorp
Classification: Uncertain significance. Last evaluated: 2025-09-13. Review status: criteria provided, single submitter. Criteria: Invitae Variant Classification Sherloc (09022015). Collection method: clinical testing. Allele origin: germline.
Comment: This sequence change replaces arginine, which is basic and polar, with histidine, which is basic and polar, at codon 4475 of the HMCN1 protein (p.Arg4475His). This variant is present in population databases (rs371572151, gnomAD 0.01%). This variant has not been reported in the literature in individuals affected with HMCN1-related conditions. ClinVar contains an entry for this variant (Variation ID: 1912495). An algorithm developed to predict the effect of missense changes on protein structure and function (PolyPhen-2) suggests that this variant is likely to be disruptive. In summary, the available evidence is currently insufficient to determine the role of this variant in disease. Therefore, it has been classified as a Variant of Uncertain Significance.

NM_031935.3(HMCN1):c.13424G>A (p.Arg4475His)

Gene: HMCN1 (hemicentin 1; plus strand). Cytogenetic location: 1q31.1.
Variant type: single nucleotide variant.
Coding change: c.13424G>A on transcript NM_031935.3 (MANE Select); coding-DNA position 13424, G replaced by A.
Protein change: p.Arg4475His; replaces arginine 4475 with histidine.
Molecular consequence: missense variant.
Genome position (GRCh38, 1-based): chr1:186,136,779, G>A. VCF-style: chr1-186136779-G-A. GRCh37 (hg19) VCF-style: chr1-186105911-G-A.
Other names: short protein forms R4475H.
Identifiers: ClinVar variation 1912495 (VCV001912495.5), dbSNP rs371572151, ClinGen allele CA1294656.